The following is an entry in ClinVar:

ClinVar aggregate classification (germline): Conflicting classifications of pathogenicity. Review status: criteria provided, conflicting classifications (1 of 4 stars). 3 submissions from 3 submitters: Uncertain significance (1); Likely benign (2). Last evaluated 2026-03-10.

Conditions:
REEP1-related disorder. Also called: REEP1-related condition.
Hereditary spastic paraplegia 31. Also called: SPASTIC PARAPLEGIA 31, AUTOSOMAL DOMINANT. Identifiers: Orphanet 101011, MedGen C1853247, MONDO:0012453, OMIM 610250.
Inborn genetic diseases. Identifiers: MedGen C0950123, MeSH D030342.

Allele frequency attached by ClinVar (database versions not stated): gnomAD 0.00001; gnomAD exomes 0.00002; ExAC 0.00003.
gnomAD v4.1: 34 of 1,612,498 alleles (0.0021%); highest among the groups gnomAD compares: South Asian, 0.0066%; no homozygotes.

Submissions (3):

PreventionGenetics, part of Exact Sciences
Classification: Uncertain significance for REEP1-related condition. Last evaluated: 2026-03-10. Review status: criteria provided, single submitter. Criteria: ACMG Guidelines, 2015. Collection method: clinical testing. Allele origin: germline.
Comment: The REEP1 c.311C>T variant is predicted to result in the amino acid substitution p.Thr104Met. Of note, this variant can also be referred to as c.546C>T (p.=), in the more commonly reported isoform, NM_022912. To our knowledge, this variant has not been reported in the literature. This variant is reported in 0.0065% of alleles in individuals of South Asian descent in gnomAD. At this time, the clinical significance of this variant is uncertain due to the absence of conclusive functional and genetic evidence.

Labcorp Genetics (formerly Invitae), Labcorp
Classification: Likely benign for Hereditary spastic paraplegia 31. Last evaluated: 2024-11-04. Review status: criteria provided, single submitter. Criteria: Invitae Variant Classification Sherloc (09022015). Collection method: clinical testing. Allele origin: germline.

Ambry Genetics
Classification: Likely benign for Inborn genetic diseases. Last evaluated: 2023-06-30. Review status: criteria provided, single submitter. Criteria: Ambry Variant Classification Scheme 2023. Collection method: clinical testing. Allele origin: germline.

NM_001371279.1(REEP1):c.546C>T (p.His182=)

Gene: REEP1 (receptor accessory protein 1; minus strand). Cytogenetic location: 2p11.2.
Variant type: single nucleotide variant.
Coding change: c.546C>T on transcript NM_001371279.1 (MANE Select); coding-DNA position 546, C replaced by T.
Protein change: p.His182=; no amino-acid change (histidine 182 retained).
Molecular consequence: synonymous variant. On other transcripts: missense variant (1), intron variant (1).
Genome position (GRCh38, 1-based): chr2:86,232,674, G>A on the plus strand (C>T on the coding strand, the complement: REEP1 is on the minus strand). VCF-style: chr2-86232674-G-A. GRCh37 (hg19) VCF-style: chr2-86459797-G-A.
Other names: c.567C>T, p.His189= (NM_001164730.2); c.465C>T, p.His155= (NM_001164731.2); c.311C>T, p.Thr104Met (NM_001164732.2); c.546C>T, p.His182= (NM_001410855.1, NM_001410856.1, NM_022912.3); c.418-15564C>T (NM_001371280.1); c.311C>T (NM_001164732.1); short protein forms T104M.
Identifiers: ClinVar variation 2158785 (VCV002158785.7), dbSNP rs750448825, ClinGen allele CA1748689.